The following is an entry in ClinVar:

NM_001384156.1(PCBP3):c.166-8del

Gene: PCBP3 (poly(rC) binding protein 3; plus strand). Cytogenetic location: 21q22.3.
Variant type: Deletion.
Coding change: c.166-8del on transcript NM_001384156.1 (MANE Select); 8 bases into the intron before coding-DNA position 166, one base deleted (T; older notation c.166-8delT).
Molecular consequence: intron variant.
Genome position (GRCh38, 1-based): chr21:45,899,591, T deleted; the last of 10 consecutive T bases (chr21:45,899,582-45,899,591); deleting any one gives the same sequence. VCF-style (leftmost placement, unchanged base first): chr21-45899581-AT-A. GRCh37 (hg19) VCF-style: chr21-47319495-AT-A.
Other names: c.166-8del (NM_001382284.1, NM_001382286.1, NM_001348239.2 and 17 more transcripts); c.70-8del (NM_001348242.2, NM_001382276.1).
Identifiers: ClinVar variation 3039600 (VCV003039600.2), dbSNP rs145892465, ClinGen allele CA10068832.

ClinVar aggregate classification (germline): Likely benign (0 of 4 stars; one submission).

Conditions:
PCBP3-related disorder. Also called: PCBP3-related condition.

Submission:

PreventionGenetics, part of Exact Sciences
Classification: Likely benign for PCBP3-related condition. Last evaluated: 2019-11-25. Review status: no assertion criteria provided. Collection method: clinical testing. Allele origin: germline.
Comment: This variant is classified as likely benign based on ACMG/AMP sequence variant interpretation guidelines (Richards et al. 2015 PMID: 25741868, with internal and published modifications).